The following is an entry in ClinVar:

ClinVar aggregate classification (germline): Uncertain significance. Review status: criteria provided, multiple submitters, no conflicts (2 of 4 stars). 4 submissions from 4 submitters: Uncertain significance (4). Last evaluated 2024-08-13.

Conditions:
Cardiovascular phenotype. Identifiers: MedGen CN230736.
Arrhythmogenic right ventricular dysplasia 10. Also called: Arrhythmogenic Right Ventricular Dysplasia/Cardiomyopathy10; Arrhythmogenic right ventricular dysplasia/cardiomyopathy, type 10; ARRHYTHMOGENIC RIGHT VENTRICULAR DYSPLASIA, FAMILIAL, 10. Identifiers: MedGen C1857777, MONDO:0012434, OMIM 610193.
Cardiomyopathy (CMYO). Also called: Cardiomyopathies. Identifiers: Orphanet 167848, MedGen C0878544, MONDO:0004994, HP:0001638. Inheritance: Various modes of inheritance.
Arrhythmogenic right ventricular cardiomyopathy (ARVD). Also called: Cardiomyopathy, ARVC; Arrhythmogenic right ventricular dysplasia; Arrhythmogenic cardiomyopathy; Arrhythmogenic Right Ventricular Cardiomyopathy (ARVC). Identifiers: Orphanet 247, MedGen C0349788, MeSH D019571, MONDO:0016587. Disease mechanism: loss of function. Inheritance: Various modes of inheritance.

Allele frequency attached by ClinVar (database versions not stated): gnomAD exomes below 0.00001; ExAC 0.00001.
gnomAD v4.1: 7 of 1,614,170 alleles (0.00043%); highest among the groups gnomAD compares: Non-Finnish European, 0.00059%; no homozygotes.

Submissions (4):

All of Us Research Program, National Institutes of Health
Classification: Uncertain significance for Arrhythmogenic right ventricular cardiomyopathy. Last evaluated: 2024-08-13. Review status: criteria provided, single submitter. Criteria: ACMG Guidelines, 2015. Collection method: clinical testing. Allele origin: germline. Inheritance: Autosomal dominant inheritance. Observed: 5 variant alleles, 5 heterozygotes.
Comment: This missense variant replaces threonine with alanine at codon 730 of the DSG2 protein. Computational prediction suggests that this variant may not impact protein structure and function (internally defined REVEL score threshold <= 0.5, PMID: 27666373). To our knowledge, functional studies have not been reported for this variant. This variant has not been reported in individuals affected with cardiovascular disorders in the literature. This variant has been identified in 1/249442 chromosomes in the general population by the Genome Aggregation Database (gnomAD). The available evidence is insufficient to determine the role of this variant in disease conclusively. Therefore, this variant is classified as a Variant of Uncertain Significance.

This study involves interpretation of variants in research participants for the purpose of population health screening. Participant phenotype was not available at the time of variant classification. Additional details can be found in publication PMID: 35346344, PMCID: PMC8962531

Color Diagnostics, LLC DBA Color Health
Classification: Uncertain significance for Cardiomyopathy. Last evaluated: 2024-03-06. Review status: criteria provided, single submitter. Criteria: ACMG Guidelines, 2015. Collection method: clinical testing. Allele origin: germline.
Comment: This missense variant replaces threonine with alanine at codon 730 of the DSG2 protein. Computational prediction suggests that this variant may not impact protein structure and function (internally defined REVEL score threshold <= 0.5, PMID: 27666373). To our knowledge, functional studies have not been reported for this variant. This variant has not been reported in individuals affected with DSG2-related disorders in the literature. This variant has been identified in 1/249442 chromosomes in the general population by the Genome Aggregation Database (gnomAD). The available evidence is insufficient to determine the role of this variant in disease conclusively. Therefore, this variant is classified as a Variant of Uncertain Significance.

Ambry Genetics
Classification: Uncertain significance for Cardiovascular phenotype. Last evaluated: 2023-06-11. Review status: criteria provided, single submitter. Criteria: Ambry Variant Classification Scheme 2023. Collection method: clinical testing. Allele origin: germline.
Comment: The p.T730A variant (also known as c.2188A>G), located in coding exon 14 of the DSG2 gene, results from an A to G substitution at nucleotide position 2188. The threonine at codon 730 is replaced by alanine, an amino acid with similar properties. This amino acid position is conserved. In addition, this alteration is predicted to be tolerated by in silico analysis. Since supporting evidence is limited at this time, the clinical significance of this alteration remains unclear.

Labcorp Genetics (formerly Invitae), Labcorp
Classification: Uncertain significance for Arrhythmogenic right ventricular dysplasia 10. Last evaluated: 2022-09-01. Review status: criteria provided, single submitter. Criteria: Invitae Variant Classification Sherloc (09022015). Collection method: clinical testing. Allele origin: germline.
Comment: This sequence change replaces threonine, which is neutral and polar, with alanine, which is neutral and non-polar, at codon 730 of the DSG2 protein (p.Thr730Ala). This variant is present in population databases (rs780650226, gnomAD 0.0009%). In summary, the available evidence is currently insufficient to determine the role of this variant in disease. Therefore, it has been classified as a Variant of Uncertain Significance. Algorithms developed to predict the effect of missense changes on protein structure and function output the following: SIFT: "Tolerated"; PolyPhen-2: "Benign"; Align-GVGD: "Class C0". The alanine amino acid residue is found in multiple mammalian species, which suggests that this missense change does not adversely affect protein function. ClinVar contains an entry for this variant (Variation ID: 222564). This variant has not been reported in the literature in individuals affected with DSG2-related conditions.

NM_001943.5(DSG2):c.2188A>G (p.Thr730Ala)

Genes: DSG2 (desmoglein 2; plus strand), DSG2-AS1 (DSG2 antisense RNA 1; minus strand). Cytogenetic location: 18q12.1.
Variant type: single nucleotide variant.
Coding change: c.2188A>G on transcript NM_001943.5 (MANE Select); coding-DNA position 2188, A replaced by G.
Protein change: p.Thr730Ala; replaces threonine 730 with alanine.
Molecular consequence: missense variant.
Genome position (GRCh38, 1-based): chr18:31,542,706, A>G. VCF-style: chr18-31542706-A-G. GRCh37 (hg19) VCF-style: chr18-29122669-A-G.
Other names: c.2188A>G (LRG_397t1); short protein forms T730A.
Identifiers: ClinVar variation 222564 (VCV000222564.17), dbSNP rs780650226, ClinGen allele CA045155.